The following is an entry in ClinVar:

ClinVar aggregate classification (germline): Likely benign (1 of 4 stars; one submission).

gnomAD v4.1: 792 of 1,608,790 alleles (0.049%); highest among the groups gnomAD compares: African/African-American, 0.8%; 3 homozygotes.

Submission:

CeGaT Center for Human Genetics Tuebingen
Classification: Likely benign. Last evaluated: 2026-05-01. Review status: criteria provided, single submitter. Criteria: CeGaT Center For Human Genetics Tuebingen Variant Classification Criteria Version 2. Collection method: clinical testing. Allele origin: germline. Affected: yes. Observed: 1 variant allele.
Comment: SEPHS1: BP4, BP7

NM_012247.5(SEPHS1):c.105A>G (p.Gln35=)

Gene: SEPHS1 (selenophosphate synthetase 1; minus strand). Cytogenetic location: 10p13.
Variant type: single nucleotide variant.
Coding change: c.105A>G on transcript NM_012247.5 (MANE Select); coding-DNA position 105, A replaced by G.
Protein change: p.Gln35=; no amino-acid change (glutamine 35 retained).
Molecular consequence: synonymous variant. On other transcripts: non-coding transcript variant (1), intron variant (1).
Genome position (GRCh38, 1-based): chr10:13,344,846, T>C on the plus strand (A>G on the coding strand, the complement: SEPHS1 is on the minus strand). VCF-style: chr10-13344846-T-C. GRCh37 (hg19) VCF-style: chr10-13386846-T-C.
Other names: c.105A>G, p.Gln35= (NM_001195604.2, NM_001375769.1); c.-9+3154A>G (NM_001195602.2).
Identifiers: ClinVar variation 4872456 (VCV004872456.2).